The following is an entry in ClinVar:

ClinVar aggregate classification (germline): Likely benign (1 of 4 stars; one submission).

Conditions:
SLC51A-related disorder. Also called: SLC51A-related condition.

Allele frequency attached by ClinVar (database versions not stated): ExAC 0.00007; 1000 Genomes Project 0.00020; 1000 Genomes Project 30x 0.00031; gnomAD 0.00033; TOPMed 0.00033; ESP Exome Variant Server 0.00046.

Submissions (2):

PreventionGenetics, part of Exact Sciences
Classification: Likely benign for SLC51A-related condition. Last evaluated: 2026-05-22. Review status: criteria provided, single submitter. Criteria: ACMG Guidelines, 2015. Collection method: clinical testing. Allele origin: germline.
Comment: This variant is classified as likely benign based on ACMG/AMP sequence variant interpretation guidelines (Richards et al. 2015 PMID: 25741868, with internal and published modifications).

Dr. Peter K. Rogan Lab, Western University
No classification provided (evidence only). Condition: Thyroid cancer, nonmedullary, 1. Review status: no classification provided. Collection method: in vitro. Allele origin: not applicable. Functional consequence: retained intron. Not counted in ClinVar's aggregate classification.

NM_152672.6(SLC51A):c.420G>T (p.Gly140=)

Gene: SLC51A (solute carrier family 51 member A; plus strand). Cytogenetic location: 3q29.
Variant type: single nucleotide variant.
Coding change: c.420G>T on transcript NM_152672.6 (MANE Select); coding-DNA position 420, G replaced by T.
Protein change: p.Gly140=; no amino-acid change (glycine 140 retained).
Molecular consequence: synonymous variant.
Genome position (GRCh38, 1-based): chr3:196,228,172, G>T. VCF-style: chr3-196228172-G-T. GRCh37 (hg19) VCF-style: chr3-195955043-G-T.
Other names: NC_000003.11:g.195955043G>T.
Identifiers: ClinVar variation 2633723 (VCV002633723.3), dbSNP rs141959809, ClinGen allele CA2779089.
Genomic context (GRCh38, chr3:196,228,172, plus strand): 5'-CAGGTTTTATGCCGTGTGCTTTTACCTGCTGATGCTGGTCATGGTGGAAGGCTTTGGGGG[G>T]AAGGAGGCAGTGCTGAGGACGCTGAGGGACACCCCGATGATGGTCCACACAGGCCCCTGC-3'
Protein context (NP_689885.4, residues 130-150): LMLVMVEGFG[Gly140=]KEAVLRTLRD